The following is an entry in ClinVar:

NM_004525.3(LRP2):c.12591-5T>C

Gene: LRP2 (LDL receptor related protein 2; minus strand). Cytogenetic location: 2q31.1.
Variant type: single nucleotide variant.
Coding change: c.12591-5T>C on transcript NM_004525.3 (MANE Select); 5 bases into the intron before coding-DNA position 12591, T replaced by C.
Molecular consequence: intron variant.
Genome position (GRCh38, 1-based): chr2:169,146,964, A>G on the plus strand (T>C on the coding strand, the complement: LRP2 is on the minus strand). VCF-style: chr2-169146964-A-G. GRCh37 (hg19) VCF-style: chr2-170003474-A-G.
Identifiers: ClinVar variation 3604770 (VCV003604770.2).

ClinVar aggregate classification (germline): Uncertain significance (1 of 4 stars; one submission).

gnomAD v4.1: 1 of 1,601,950 alleles (0.000062%); highest among the groups gnomAD compares: Non-Finnish European, 0.000085%; no homozygotes.

Submission:

Labcorp Genetics (formerly Invitae), Labcorp
Classification: Uncertain significance. Last evaluated: 2024-12-12. Review status: criteria provided, single submitter. Criteria: Invitae Variant Classification Sherloc (09022015). Collection method: clinical testing. Allele origin: germline.
Comment: This sequence change falls in intron 68 of the LRP2 gene. It does not directly change the encoded amino acid sequence of the LRP2 protein. This variant is not present in population databases (gnomAD no frequency). This variant has not been reported in the literature in individuals affected with LRP2-related conditions. Algorithms developed to predict the effect of sequence changes on RNA splicing suggest that this variant may disrupt the consensus splice site. In summary, the available evidence is currently insufficient to determine the role of this variant in disease. Therefore, it has been classified as a Variant of Uncertain Significance.